The following is an entry in ClinVar:

ClinVar aggregate classification (germline): Pathogenic. Review status: criteria provided, multiple submitters, no conflicts (2 of 4 stars). 4 submissions from 4 submitters: Pathogenic (3). 1 of the submissions does not count toward it. Last evaluated 2026-01-18.

Conditions:
Joubert syndrome 14 (JBTS14). Identifiers: MedGen C3280766, MONDO:0013745, OMIM 614424.

Allele frequency attached by ClinVar (database versions not stated): ExAC 0.00001; gnomAD exomes 0.00002.
gnomAD v4.1: 28 of 1,605,276 alleles (0.0017%); highest among the groups gnomAD compares: Non-Finnish European, 0.0023%; no homozygotes.

Submissions (4):

Labcorp Genetics (formerly Invitae), Labcorp
Classification: Pathogenic for Joubert syndrome 14. Last evaluated: 2026-01-18. Review status: criteria provided, single submitter. Criteria: Invitae Variant Classification Sherloc (09022015). Collection method: clinical testing. Allele origin: germline.
Comment: This sequence change affects a donor splice site in intron 10 of the TMEM237 gene. It is expected to disrupt RNA splicing. Variants that disrupt the donor or acceptor splice site typically lead to a loss of protein function (PMID: 16199547), and loss-of-function variants in TMEM237 are known to be pathogenic (PMID: 22152675). The frequency data for this variant in the population databases is considered unreliable, as metrics indicate poor data quality at this position in the gnomAD database. Disruption of this splice site has been observed in individual(s) with Joubert syndrome (PMID: 22152675). In at least one individual the data is consistent with being in trans (on the opposite chromosome) from a pathogenic variant. ClinVar contains an entry for this variant (Variation ID: 31184). Algorithms developed to predict the effect of sequence changes on RNA splicing suggest that this variant may disrupt the consensus splice site. For these reasons, this variant has been classified as Pathogenic.

Genomic Medicine Lab, University of California San Francisco
Classification: Pathogenic for Joubert syndrome 14. Last evaluated: 2020-06-18. Review status: criteria provided, single submitter. Criteria: ACMG Guidelines, 2015. Collection method: clinical testing. Allele origin: paternal. Inheritance: Autosomal recessive inheritance. Affected: yes. Study: CSER-P3EGS.

UW Hindbrain Malformation Research Program, University of Washington
Classification: Pathogenic for Joubert syndrome 14. Last evaluated: 2015-02-23. Review status: criteria provided, single submitter. Criteria: Bachmann-Gagescu et al. (J Med Genet. 2015). Collection method: research. Allele origin: unknown. Affected: yes.

OMIM
Classification: Pathogenic for JOUBERT SYNDROME 14. Last evaluated: 2011-12-09. Review status: no assertion criteria provided. Collection method: literature only. Allele origin: germline. Not counted in ClinVar's aggregate classification.

Literature cited by the submitters: PubMed 16199547 (cited by Labcorp Genetics (formerly Invitae), Labcorp); PubMed 22152675 (cited by Labcorp Genetics (formerly Invitae), Labcorp and OMIM).

NM_001044385.3(TMEM237):c.943+1G>T

Gene: TMEM237 (transmembrane protein 237; minus strand). Cytogenetic location: 2q33.1.
Variant type: single nucleotide variant.
Coding change: c.943+1G>T on transcript NM_001044385.3 (MANE Select); the canonical splice donor site of the intron after coding-DNA position 943, G replaced by T.
Molecular consequence: splice donor variant.
Genome position (GRCh38, 1-based): chr2:201,628,075, C>A on the plus strand (G>T on the coding strand, the complement: TMEM237 is on the minus strand). VCF-style: chr2-201628075-C-A. GRCh37 (hg19) VCF-style: chr2-202492798-C-A.
Other names: IVS11DS, G-T, +1; c.919+1G>T (NM_152388.4).
Identifiers: ClinVar variation 31184 (VCV000031184.12), dbSNP rs748510210, ClinGen allele CA260008.